The following is an entry in ClinVar:

NM_000038.6(APC):c.3207G>A (p.Arg1069=)

Gene: APC (APC regulator of Wnt signaling pathway; plus strand). Cytogenetic location: 5q22.2.
Variant type: single nucleotide variant.
Coding change: c.3207G>A on transcript NM_000038.6 (MANE Select); coding-DNA position 3207, G replaced by A.
Protein change: p.Arg1069=; no amino-acid change (arginine 1069 retained).
Molecular consequence: synonymous variant.
Genome position (GRCh38, 1-based): chr5:112,838,801, G>A. VCF-style: chr5-112838801-G-A. GRCh37 (hg19) VCF-style: chr5-112174498-G-A.
Other names: c.3207G>A, p.Arg1069= (NM_001127510.3, NM_001354895.2); c.3153G>A, p.Arg1051= (NM_001127511.3); c.3261G>A, p.Arg1087= (NM_001354896.2); c.3237G>A, p.Arg1079= (NM_001354897.2); c.3132G>A, p.Arg1044= (NM_001354898.2); c.3123G>A, p.Arg1041= (NM_001354899.2); c.3084G>A, p.Arg1028= (NM_001354900.2); c.3030G>A, p.Arg1010= (NM_001354901.2); and 5 more.
Identifiers: ClinVar variation 382101 (VCV000382101.17), dbSNP rs762867687, ClinGen allele CA034639.
Genomic context (GRCh38, chr5:112,838,801, plus strand): 5'-GGCAAGACCCAAACACATAATAGAAGATGAAATAAAACAAAGTGAGCAAAGACAATCAAG[G>A]AATCAAAGTACAACTTATCCTGTTTATACTGAGAGCACTGATGATAAACACCTCAAGTTC-3'
Protein context (NP_000029.2, residues 1059-1079): EIKQSEQRQS[Arg1069=]NQSTTYPVYT

ClinVar aggregate classification (germline): Benign/Likely benign. Review status: criteria provided, multiple submitters, no conflicts (2 of 4 stars). 5 submissions from 5 submitters: Benign (1); Likely benign (4). Last evaluated 2026-01-11.

Conditions:
Hereditary cancer-predisposing syndrome. Also called: Tumor predisposition; Hereditary neoplastic syndrome; Neoplastic Syndromes, Hereditary; Hereditary Cancer Syndrome. Identifiers: Orphanet 140162, MedGen C0027672, MeSH D009386, MONDO:0015356.
Familial adenomatous polyposis 1 (FAP1). Also called: FAMILIAL ADENOMATOUS POLYPOSIS 1, ATTENUATED; POLYPOSIS, ADENOMATOUS INTESTINAL. Identifiers: MedGen C2713442, MONDO:0021056, OMIM 175100. Disease mechanism: loss of function.

Allele frequency attached by ClinVar (database versions not stated): ExAC 0.00001; gnomAD 0.00001; gnomAD exomes 0.00001.
gnomAD v4.1: 3 of 1,614,082 alleles (0.00019%); highest among the groups gnomAD compares: East Asian, 0.0067%; no homozygotes.

Submissions (5):

Labcorp Genetics (formerly Invitae), Labcorp
Classification: Likely benign for Familial adenomatous polyposis 1. Last evaluated: 2026-01-11. Review status: criteria provided, single submitter. Criteria: Invitae Variant Classification Sherloc (09022015). Collection method: clinical testing. Allele origin: germline.

Myriad Genetics, Inc.
Classification: Benign for Familial adenomatous polyposis 1. Last evaluated: 2024-03-18. Review status: criteria provided, single submitter. Criteria: Myriad Autosomal Dominant, Autosomal Recessive and X-Linked Classification Criteria (2023). Collection method: clinical testing. Allele origin: unknown.
Comment: This variant is considered benign. This variant is a silent/synonymous amino acid change and it is not expected to impact splicing.

Color Diagnostics, LLC DBA Color Health
Classification: Likely benign for Hereditary cancer-predisposing syndrome. Last evaluated: 2019-10-02. Review status: criteria provided, single submitter. Criteria: ACMG Guidelines, 2015. Collection method: clinical testing. Allele origin: germline.

Ambry Genetics
Classification: Likely benign for Hereditary cancer-predisposing syndrome. Last evaluated: 2016-02-24. Review status: criteria provided, single submitter. Criteria: Ambry Variant Classification Scheme 2023. Collection method: clinical testing. Allele origin: germline.

GeneDx
Classification: Likely benign. Last evaluated: 2015-12-01. Review status: criteria provided, single submitter. Criteria: GeneDx Variant Classification (06012015). Collection method: clinical testing. Allele origin: germline. Affected: yes.
Comment: This variant is considered likely benign or benign based on one or more of the following criteria: it is a conservative change, it occurs at a poorly conserved position in the protein, it is predicted to be benign by multiple in silico algorithms, and/or has population frequency not consistent with disease.